The following is an entry in ClinVar:

ClinVar aggregate classification (germline): Uncertain significance (1 of 4 stars; one submission).

Conditions:
Propionic acidemia (PROP). Also called: GLYCINEMIA, KETOTIC; HYPERGLYCINEMIA WITH KETOACIDOSIS AND LEUKOPENIA; KETOTIC HYPERGLYCINEMIA. Identifiers: Orphanet 35, MedGen C0268579, MONDO:0011628, OMIM 606054, HP:0003571.

gnomAD v4.1: 1 of 1,612,302 alleles (0.000062%); highest among the groups gnomAD compares: South Asian, 0.0011%; no homozygotes.

Submission:

Labcorp Genetics (formerly Invitae), Labcorp
Classification: Uncertain significance for Propionic acidemia. Last evaluated: 2025-06-22. Review status: criteria provided, single submitter. Criteria: Invitae Variant Classification Sherloc (09022015). Collection method: clinical testing. Allele origin: germline.
Comment: This sequence change replaces serine, which is neutral and polar, with asparagine, which is neutral and polar, at codon 500 of the PCCA protein (p.Ser500Asn). This variant is present in population databases (rs772196822, gnomAD 0.003%). This variant has not been reported in the literature in individuals affected with PCCA-related conditions. ClinVar contains an entry for this variant (Variation ID: 3688764). An algorithm developed to predict the effect of missense changes on protein structure and function outputs the following: PolyPhen-2: "Benign". The asparagine amino acid residue is found in multiple mammalian species, which suggests that this missense change does not adversely affect protein function. In summary, the available evidence is currently insufficient to determine the role of this variant in disease. Therefore, it has been classified as a Variant of Uncertain Significance.

NM_000282.4(PCCA):c.1499G>A (p.Ser500Asn)

Gene: PCCA (propionyl-CoA carboxylase subunit alpha; plus strand). Cytogenetic location: 13q32.3.
Variant type: single nucleotide variant.
Coding change: c.1499G>A on transcript NM_000282.4 (MANE Select); coding-DNA position 1499, G replaced by A.
Protein change: p.Ser500Asn; replaces serine 500 with asparagine.
Molecular consequence: missense variant. On other transcripts: non-coding transcript variant (5).
Genome position (GRCh38, 1-based): chr13:100,330,630, G>A. VCF-style: chr13-100330630-G-A. GRCh37 (hg19) VCF-style: chr13-100982884-G-A.
Other names: c.1421G>A, p.Ser474Asn (NM_001127692.3, NM_001352607.2); c.1499G>A, p.Ser500Asn (NM_001178004.2, NM_001352605.2, NM_001352609.2); c.1355G>A, p.Ser452Asn (NM_001352606.2); c.1277G>A, p.Ser426Asn (NM_001352608.2); c.554G>A, p.Ser185Asn (NM_001352610.2, NM_001352611.2); c.410G>A, p.Ser137Asn (NM_001352612.2); short protein forms S452N, S500N, S185N, S474N, S426N, S137N.
Identifiers: ClinVar variation 3688764 (VCV003688764.2).